The following is an entry in ClinVar:

ClinVar aggregate classification (germline): Pathogenic/Likely pathogenic. Review status: criteria provided, multiple submitters, no conflicts (2 of 4 stars). 4 submissions from 4 submitters: Pathogenic (2); Likely pathogenic (2). Last evaluated 2024-01-18.

Conditions:
Wilson disease (WND). Also called: Wilson's disease. Identifiers: Orphanet 905, MedGen C0019202, MONDO:0010200, OMIM 277900. Disease mechanism: loss of function.

Submissions (4):

Fulgent Genetics
Classification: Likely pathogenic for Wilson disease. Last evaluated: 2024-01-18. Review status: criteria provided, single submitter. Criteria: ACMG Guidelines, 2015. Collection method: clinical testing. Allele origin: germline.

Revvity Omics, Revvity
Classification: Likely pathogenic for Wilson disease. Last evaluated: 2024-01-16. Review status: criteria provided, single submitter. Criteria: ACMG Guidelines, 2015. Collection method: clinical testing. Allele origin: germline.

Women's Health and Genetics/Laboratory Corporation of America, LabCorp
Classification: Pathogenic for Wilson disease. Last evaluated: 2023-10-09. Review status: criteria provided, single submitter. Criteria: LabCorp Variant Classification Summary - May 2015. Collection method: clinical testing. Allele origin: germline.
Comment: Variant summary: ATP7B c.447_452delinsC (p.Glu150HisfsX11) results in a premature termination codon, predicted to cause a truncation of the encoded protein or absence of the protein due to nonsense mediated decay, which are commonly known mechanisms for disease. Variants downstream of this position have been classified as pathogenic by our laboratory. The variant was absent in 249324 control chromosomes (gnomAD). To our knowledge, no occurrence of c.447_452delinsC in individuals affected with Wilson Disease and no experimental evidence demonstrating its impact on protein function have been reported. No submitters have cited clinical-significance assessments for this variant to ClinVar after 2014. Based on the evidence outlined above, the variant was classified as pathogenic.

Myriad Genetics, Inc.
Classification: Pathogenic for Wilson disease. Last evaluated: 2023-09-11. Review status: criteria provided, single submitter. Criteria: Myriad Autosomal Dominant, Autosomal Recessive and X-Linked Classification Criteria (2023). Collection method: clinical testing. Allele origin: unknown.
Comment: NM_000053.3(ATP7B):c.447_452del6ins1(E150Hfs*11) is expected to be pathogenic in the context of Wilson disease. This variant is predicted to lead to an abnormal or absent protein product due to the creation of a premature termination codon in ATP7B, a gene where loss-of-function variants are known to be pathogenic. Please note: this variant was assessed in the context of healthy population screening.

NM_000053.4(ATP7B):c.447_452delinsC (p.Glu150fs)

Gene: ATP7B (ATPase copper transporting beta; minus strand). Cytogenetic location: 13q14.3.
Variant type: Indel.
Coding change: c.447_452delinsC on transcript NM_000053.4 (MANE Select); coding-DNA positions 447 to 452, GGAGGG replaced by C.
Protein change: p.Glu150fs; shifts the reading frame from glutamic acid 150.
Molecular consequence: frameshift variant.
Genome position (GRCh38, 1-based): chr13:51,974,768-51,974,773, CCCTCC replaced by G on the plus strand (GGAGGG replaced by C on the coding strand, the reverse complement: ATP7B is on the minus strand). VCF-style: chr13-51974768-CCCTCC-G. GRCh37 (hg19) VCF-style: chr13-52548904-CCCTCC-G.
Other names: c.447_452delinsC, p.Glu150fs (NM_001243182.2, NM_001330578.2, NM_001330579.2 and 30 more transcripts); c.351_356delinsC, p.Glu118fs (NM_001406517.1, NM_001406518.1, NM_001406530.1 and 4 more transcripts); short protein forms E118fs, E150fs.
Identifiers: ClinVar variation 2637625 (VCV002637625.4), dbSNP rs779669186, ClinGen allele CA2695199752.
Genomic context (GRCh38, chr13:51,974,768, plus strand): 5'-ACTCCTTGCAGTTTCCGGACCTTGCCTTCAATGGAGCTGACACAGGACTGGCAGGTCATG[CCCTCC>G]ACCCGGAGCTTGACCACAGCCTCCTGGGCAGGCAAGGACCTTGAGGGCCAGGAGGCTGCC-3'